The following is an entry in ClinVar:

ClinVar aggregate classification (germline): Uncertain significance. Review status: criteria provided, multiple submitters, no conflicts (2 of 4 stars). 2 submissions from 2 submitters: Uncertain significance (2). Last evaluated 2024-01-28.

Conditions:
Hereditary cancer-predisposing syndrome. Also called: Hereditary Cancer Syndrome; Neoplastic Syndromes, Hereditary; Tumor predisposition; Hereditary neoplastic syndrome. Identifiers: Orphanet 140162, MedGen C0027672, MeSH D009386, MONDO:0015356.
Ataxia-telangiectasia-like disorder (ATLD). Identifiers: MedGen C1858391, MONDO:0011457.

Submissions (2):

Labcorp Genetics (formerly Invitae), Labcorp
Classification: Uncertain significance for Ataxia-telangiectasia-like disorder. Last evaluated: 2024-01-28. Review status: criteria provided, single submitter. Criteria: Invitae Variant Classification Sherloc (09022015). Collection method: clinical testing. Allele origin: germline.
Comment: This sequence change replaces methionine, which is neutral and non-polar, with isoleucine, which is neutral and non-polar, at codon 192 of the MRE11 protein (p.Met192Ile). This variant is not present in population databases (gnomAD no frequency). This variant has not been reported in the literature in individuals affected with MRE11-related conditions. An algorithm developed to predict the effect of missense changes on protein structure and function (PolyPhen-2) suggests that this variant is likely to be tolerated. In summary, the available evidence is currently insufficient to determine the role of this variant in disease. Therefore, it has been classified as a Variant of Uncertain Significance.

Ambry Genetics
Classification: Uncertain significance for Hereditary cancer-predisposing syndrome. Last evaluated: 2024-01-17. Review status: criteria provided, single submitter. Criteria: Ambry Variant Classification Scheme 2023. Collection method: clinical testing. Allele origin: germline.
Comment: The p.M192I variant (also known as c.576G>C), located in coding exon 6 of the MRE11A gene, results from a G to C substitution at nucleotide position 576. The methionine at codon 192 is replaced by isoleucine, an amino acid with highly similar properties. This amino acid position is conserved. In addition, this alteration is predicted to be deleterious by in silico analysis. Based on the available evidence, the clinical significance of this alteration remains unclear.

NM_005591.4(MRE11):c.576G>C (p.Met192Ile)

Gene: MRE11 (MRE11 double strand break repair nuclease; minus strand). Cytogenetic location: 11q21.
Variant type: single nucleotide variant.
Coding change: c.576G>C on transcript NM_005591.4 (MANE Select); coding-DNA position 576, G replaced by C.
Protein change: p.Met192Ile; replaces methionine 192 with isoleucine.
Molecular consequence: missense variant.
Genome position (GRCh38, 1-based): chr11:94,476,372, C>G on the plus strand (G>C on the coding strand, the complement: MRE11 is on the minus strand). VCF-style: chr11-94476372-C-G. GRCh37 (hg19) VCF-style: chr11-94209538-C-G.
Other names: c.576G>C, p.Met192Ile (NM_001330347.2, NM_005590.4); short protein forms M192I.
Identifiers: ClinVar variation 3006049 (VCV003006049.4), dbSNP rs1591703275, ClinGen allele CA382376944.
Genomic context (GRCh38, chr11:94,476,372, plus strand): 5'-GTTAAACCAAGAGTTCTCATCTTCCTTTGGTCTCAACATTGTTACTTTTTTATTGACAAA[C>G]ATTCGATAGAGCCTTTCATCTGGAATGGATCCTGAAATGGACATTACATTATTTTTAAAT-3'
Protein context (NP_005582.1, residues 182-202): GSIPDERLYR[Met192Ile]FVNKKVTMLR